The following is an entry in ClinVar:

NM_002838.5(PTPRC):c.2362_2363delinsT (p.Arg788fs)

Gene: PTPRC (protein tyrosine phosphatase receptor type C; plus strand). Cytogenetic location: 1q32.1.
Variant type: Indel.
Coding change: c.2362_2363delinsT on transcript NM_002838.5 (MANE Select); coding-DNA positions 2362 to 2363, AG replaced by T.
Protein change: p.Arg788fs; shifts the reading frame from arginine 788.
Molecular consequence: frameshift variant.
Genome position (GRCh38, 1-based): chr1:198,735,211-198,735,212, AG replaced by T. VCF-style: chr1-198735211-AG-T. GRCh37 (hg19) VCF-style: chr1-198704340-AG-T.
Other names: c.1879_1880delinsT, p.Arg627fs (NM_080921.4); short protein forms R788fs, R627fs.
Identifiers: ClinVar variation 662609 (VCV000662609.6), dbSNP rs1571880941, ClinGen allele CA915941945.

ClinVar aggregate classification (germline): Pathogenic (1 of 4 stars; one submission).

Conditions:
Immunodeficiency 104. Also called: Severe combined immunodeficiency, autosomal recessive, T cell-negative, B cell-positive, NK cell-positive; SCID, AUTOSOMAL RECESSIVE, T CELL-NEGATIVE, B CELL-POSITIVE, NK CELL-POSITIVE; IMMUNODEFICIENCY 104, SEVERE COMBINED; Severe Combined Immune Deficiency, Autosomal Recessive, TCell -Negative, B Cell-Positive, NK Cell-Positive, IL7R-Related. Identifiers: MedGen C5676890, MONDO:0012163, OMIM 608971.

Submission:

Labcorp Genetics (formerly Invitae), Labcorp
Classification: Pathogenic for Immunodeficiency 104. Last evaluated: 2022-08-16. Review status: criteria provided, single submitter. Criteria: Invitae Variant Classification Sherloc (09022015). Collection method: clinical testing. Allele origin: germline.
Comment: For these reasons, this variant has been classified as Pathogenic. This variant has not been reported in the literature in individuals affected with PTPRC-related conditions. This variant is not present in population databases (gnomAD no frequency). This sequence change creates a premature translational stop signal (p.Arg788Tyrfs*10) in the PTPRC gene. It is expected to result in an absent or disrupted protein product. Loss-of-function variants in PTPRC are known to be pathogenic (PMID: 10700239).

Literature cited by the submitters: PubMed 10700239.